The following is an entry in ClinVar:

NM_002430.3(MN1):c.536del (p.Ser178_Ser179insTer)

Gene: MN1 (MN1 proto-oncogene, transcriptional regulator; minus strand). Cytogenetic location: 22q12.1.
Variant type: Deletion.
Coding change: c.536del on transcript NM_002430.3 (MANE Select); coding-DNA position 536, one base deleted (C; older notation c.536delC).
Protein change: p.Ser178_Ser179insTer.
Molecular consequence: nonsense.
Genome position (GRCh38, 1-based): chr22:27,800,008, G deleted on the plus strand (C on the coding strand, the reverse complement: MN1 is on the minus strand). VCF-style (leftmost placement, unchanged base first): chr22-27800007-TG-T. GRCh37 (hg19) VCF-style: chr22-28195995-TG-T.
Identifiers: ClinVar variation 979064 (VCV000979064.1), dbSNP rs1933401338, ClinGen allele CA1139667008.

ClinVar aggregate classification (germline): Likely pathogenic (0 of 4 stars; one submission).

Submission:

University of Washington Center for Mendelian Genomics, University of Washington
Classification: Likely pathogenic. Review status: no assertion criteria provided. Collection method: research. Allele origin: de novo. Affected: yes.
Comment: MN1 N-terminal truncating mutation/MN1 whole gene deletion

Literature cited by the submitters: PubMed 31834374.